The following is an entry in ClinVar:

NM_000222.3(KIT):c.859G>C (p.Val287Leu)

Gene: KIT (KIT proto-oncogene, receptor tyrosine kinase; plus strand). Cytogenetic location: 4q12.
Variant type: single nucleotide variant.
Coding change: c.859G>C on transcript NM_000222.3 (MANE Select); coding-DNA position 859, G replaced by C.
Protein change: p.Val287Leu; replaces valine 287 with leucine.
Molecular consequence: missense variant.
Genome position (GRCh38, 1-based): chr4:54,703,826, G>C. VCF-style: chr4-54703826-G-C. GRCh37 (hg19) VCF-style: chr4-55569992-G-C.
Other names: c.859G>C, p.Val287Leu (NM_001093772.2, NM_001385285.1, NM_001385286.1); c.862G>C, p.Val288Leu (NM_001385284.1, NM_001385288.1, NM_001385290.1 and 1 more transcripts); short protein forms V287L, V288L.
Identifiers: ClinVar variation 2123070 (VCV002123070.5), dbSNP rs1720608499, ClinGen allele CA356899938.

ClinVar aggregate classification (germline): Uncertain significance. Review status: criteria provided, multiple submitters, no conflicts (2 of 4 stars). 2 submissions from 2 submitters: Uncertain significance (2). Last evaluated 2025-07-30.

Conditions:
Hereditary cancer-predisposing syndrome. Also called: Hereditary Cancer Syndrome; Hereditary neoplastic syndrome; Neoplastic Syndromes, Hereditary; Tumor predisposition. Identifiers: Orphanet 140162, MedGen C0027672, MeSH D009386, MONDO:0015356.
Gastrointestinal stromal tumor. Also called: Gastrointestinal stroma tumor; Gastrointestinal stromal tumor, somatic. Identifiers: Orphanet 44890, MedGen C0238198, MeSH D046152, MONDO:0011719, OMIM 606764, HP:0100723.

Allele frequency attached by ClinVar (database versions not stated): TOPMed below 0.00001.

Submissions (2):

Labcorp Genetics (formerly Invitae), Labcorp
Classification: Uncertain significance for Gastrointestinal stromal tumor. Last evaluated: 2025-07-30. Review status: criteria provided, single submitter. Criteria: Invitae Variant Classification Sherloc (09022015). Collection method: clinical testing. Allele origin: germline.
Comment: This sequence change replaces valine, which is neutral and non-polar, with leucine, which is neutral and non-polar, at codon 287 of the KIT protein (p.Val287Leu). This variant is not present in population databases (gnomAD no frequency). This variant has not been reported in the literature in individuals affected with KIT-related conditions. ClinVar contains an entry for this variant (Variation ID: 2123070). An algorithm developed to predict the effect of missense changes on protein structure and function (PolyPhen-2) suggests that this variant is likely to be tolerated. In summary, the available evidence is currently insufficient to determine the role of this variant in disease. Therefore, it has been classified as a Variant of Uncertain Significance.

Ambry Genetics
Classification: Uncertain significance for Hereditary cancer-predisposing syndrome. Last evaluated: 2023-10-27. Review status: criteria provided, single submitter. Criteria: Ambry Variant Classification Scheme 2023. Collection method: clinical testing. Allele origin: germline.
Comment: The p.V287L variant (also known as c.859G>C), located in coding exon 5 of the KIT gene, results from a G to C substitution at nucleotide position 859. The valine at codon 287 is replaced by leucine, an amino acid with highly similar properties. This amino acid position is conserved. In addition, this alteration is predicted to be tolerated by in silico analysis. Since supporting evidence is limited at this time, the clinical significance of this alteration remains unclear.